The following is an entry in ClinVar:

NM_021830.5(TWNK):c.1080G>C (p.Leu360=)

Gene: TWNK (twinkle mtDNA helicase; plus strand). Cytogenetic location: 10q24.31.
Variant type: single nucleotide variant.
Coding change: c.1080G>C on transcript NM_021830.5 (MANE Select); coding-DNA position 1080, G replaced by C.
Protein change: p.Leu360=; no amino-acid change (leucine 360 retained).
Molecular consequence: synonymous variant. On other transcripts: non-coding transcript variant (4), intron variant (3).
Genome position (GRCh38, 1-based): chr10:100,989,290, G>C. VCF-style: chr10-100989290-G-C. GRCh37 (hg19) VCF-style: chr10-102749047-G-C.
Other names: c.1080G>C, p.Leu360= (NM_001163812.2); c.-119-354G>C (NM_001163814.2, NM_001163813.2); c.-57-416G>C (NM_001368275.1); c.1080G>C (NM_021830.4).
Identifiers: ClinVar variation 2032922 (VCV002032922.6), dbSNP rs983888230, ClinGen allele CA212963213.

ClinVar aggregate classification (germline): Likely benign. Review status: criteria provided, single submitter (1 of 4 stars). 2 submissions from 2 submitters: Likely benign (1). 1 of the submissions does not count toward it. Last evaluated 2022-02-12.

Conditions:
TWNK-related disorder. Also called: TWNK-related condition.

Allele frequency attached by ClinVar (database versions not stated): TOPMed below 0.00001.

Submissions (2):

Labcorp Genetics (formerly Invitae), Labcorp
Classification: Likely benign. Last evaluated: 2022-02-12. Review status: criteria provided, single submitter. Criteria: Invitae Variant Classification Sherloc (09022015). Collection method: clinical testing. Allele origin: germline.

PreventionGenetics, part of Exact Sciences
Classification: Likely benign for TWNK-related condition. Last evaluated: 2020-12-09. Review status: no assertion criteria provided. Collection method: clinical testing. Allele origin: germline. Not counted in ClinVar's aggregate classification.
Comment: This variant is classified as likely benign based on ACMG/AMP sequence variant interpretation guidelines (Richards et al. 2015 PMID: 25741868, with internal and published modifications).